The following is an entry in ClinVar:

NM_003482.4(KMT2D):c.10255G>T (p.Asp3419Tyr)

Gene: KMT2D (lysine methyltransferase 2D; minus strand). Cytogenetic location: 12q13.12.
Variant type: single nucleotide variant.
Coding change: c.10255G>T on transcript NM_003482.4 (MANE Select); coding-DNA position 10255, G replaced by T.
Protein change: p.Asp3419Tyr; replaces aspartic acid 3419 with tyrosine.
Molecular consequence: missense variant.
Genome position (GRCh38, 1-based): chr12:49,034,912, C>A on the plus strand (G>T on the coding strand, the complement: KMT2D is on the minus strand). VCF-style: chr12-49034912-C-A. GRCh37 (hg19) VCF-style: chr12-49428695-C-A.
Other names: short protein forms D3419Y.
Identifiers: ClinVar variation 1699304 (VCV001699304.5), dbSNP rs2120462024, ClinGen allele CA384729999.

ClinVar aggregate classification (germline): Conflicting classifications of pathogenicity. Review status: criteria provided, conflicting classifications (1 of 4 stars). 2 submissions from 2 submitters: Uncertain significance (1); Likely benign (1). Last evaluated 2023-07-16.

Conditions:
Kabuki syndrome 1 (KABUK1). Also called: KMT2D-Related Kabuki Syndrome. Identifiers: Orphanet 2322, MedGen CN030661, MONDO:0007843, OMIM 147920.

Allele frequency attached by ClinVar (database versions not stated): gnomAD exomes below 0.00001.
gnomAD v4.1: 1 of 1,614,006 alleles (0.000062%); highest among the groups gnomAD compares: South Asian, 0.0011%; no homozygotes.

Submissions (2):

Victorian Clinical Genetics Services, Murdoch Childrens Research Institute
Classification: Likely benign for Kabuki syndrome 1. Last evaluated: 2023-07-16. Review status: criteria provided, single submitter. Criteria: ACMG Guidelines, 2015. Collection method: clinical testing. Allele origin: germline. Inheritance: Autosomal dominant inheritance. Affected: yes.
Comment: Based on the classification scheme VCGS_Germline_v1.3.4, this variant is classified as Likely benign. Following criteria are met: 0102 - Loss of function is a known mechanism of disease in this gene and is associated with Kabuki syndrome 1 (MIM#147920). (I) 0107 - This gene is associated with autosomal dominant disease. (I) 0200 - Variant is predicted to result in a missense amino acid change from aspartic acid to tyrosine. (I) 0251 - This variant is heterozygous. (I) 0301 - Variant is absent from gnomAD (both v2 and v3). (SP) 0309 - An alternative amino acid change at the same position has been observed in gnomAD (v2) (436 heterozygotes, 3 homozygotes). (I) 0501 - Missense variant consistently predicted to be damaging by multiple in silico tools or highly conserved with a major amino acid change. (SP) 0604 - Variant is not located in an established domain, motif, hotspot or informative constraint region. (I) 0705 - No comparable missense variants have previous evidence for pathogenicity. However, an alternative change of weaker Grantham score (p.(Asp3419Gly)) has been reported multiple times as likely benign and benign (ClinVar). (I) 0807 - This variant has no previous evidence of pathogenicity. (I) 0904 - Non-segregation of this variant with the phenotype under investigation has been clearly demonstrated. (SB) 1007 - No published functional evidence has been identified for this variant. (I) Legend: (SP) - Supporting pathogenic, (I) - Information, (SB) - Supporting benign

GeneDx
Classification: Uncertain significance. Last evaluated: 2023-02-07. Review status: criteria provided, single submitter. Criteria: GeneDx Variant Classification Process June 2021. Collection method: clinical testing. Allele origin: germline. Affected: yes.
Comment: Not observed at significant frequency in large population cohorts (gnomAD); In silico analysis supports that this missense variant has a deleterious effect on protein structure/function; Has not been previously published as pathogenic or benign to our knowledge